The following is an entry in ClinVar:

ClinVar aggregate classification (germline): Benign/Likely benign. Review status: criteria provided, multiple submitters, no conflicts (2 of 4 stars). 7 submissions from 7 submitters: Benign (4); Likely benign (2). 1 of the submissions does not count toward it. Last evaluated 2026-01-11.

Conditions:
MFAP5-related disorder. Also called: MFAP5-related condition.
Aortic aneurysm, familial thoracic 9 (AAT9). Identifiers: MedGen C4015368, MONDO:0014514, OMIM 616166.

Allele frequency attached by ClinVar (database versions not stated): ESP Exome Variant Server 0.00015; gnomAD 0.00030 and 0.00056; TOPMed 0.00048; gnomAD exomes 0.00063 and 0.00082; ExAC 0.00085; 1000 Genomes Project 30x 0.00125; 1000 Genomes Project 0.00140.
gnomAD v4.1: 1,021 of 1,612,728 alleles (0.063%); highest among the groups gnomAD compares: East Asian, 1.1%; 5 homozygotes.

Submissions (7):

Labcorp Genetics (formerly Invitae), Labcorp
Classification: Benign. Last evaluated: 2026-01-11. Review status: criteria provided, single submitter. Criteria: Invitae Variant Classification Sherloc (09022015). Collection method: clinical testing. Allele origin: germline.

Mayo Clinic Laboratories, Mayo Clinic
Classification: Benign. Last evaluated: 2025-10-23. Review status: criteria provided, single submitter. Criteria: ACMG Guidelines, 2015. Collection method: clinical testing. Allele origin: germline. Observed: 4 variant alleles.
Comment: BS1, BS2, BP4, BP7

Blueprint Genetics
Classification: Likely benign. Last evaluated: 2024-11-27. Review status: criteria provided, single submitter. Criteria: ACMG Guidelines, 2015. Collection method: clinical testing. Allele origin: germline.

Women's Health and Genetics/Laboratory Corporation of America, LabCorp
Classification: Benign. Last evaluated: 2024-07-14. Review status: criteria provided, single submitter. Criteria: LabCorp Variant Classification Summary - May 2015. Collection method: clinical testing. Allele origin: germline.

ARUP Laboratories, Molecular Genetics and Genomics, ARUP Laboratories
Classification: Benign for Aortic aneurysm, familial thoracic 9. Last evaluated: 2023-12-04. Review status: criteria provided, single submitter. Criteria: ARUP Molecular Germline Variant Investigation Process 2024. Collection method: clinical testing. Allele origin: germline.

GeneDx
Classification: Likely benign. Last evaluated: 2021-04-09. Review status: criteria provided, single submitter. Criteria: GeneDx Variant Classification Process June 2021. Collection method: clinical testing. Allele origin: germline. Affected: yes.

PreventionGenetics, part of Exact Sciences
Classification: Likely benign for MFAP5-related condition. Last evaluated: 2021-09-09. Review status: no assertion criteria provided. Collection method: clinical testing. Allele origin: germline. Not counted in ClinVar's aggregate classification.
Comment: This variant is classified as likely benign based on ACMG/AMP sequence variant interpretation guidelines (Richards et al. 2015 PMID: 25741868, with internal and published modifications).

NM_003480.4(MFAP5):c.336-9C>T

Gene: MFAP5 (microfibril associated protein 5; minus strand). Cytogenetic location: 12p13.31.
Variant type: single nucleotide variant.
Coding change: c.336-9C>T on transcript NM_003480.4 (MANE Select); 9 bases into the intron before coding-DNA position 336, C replaced by T.
Molecular consequence: intron variant.
Genome position (GRCh38, 1-based): chr12:8,649,583, G>A on the plus strand (C>T on the coding strand, the complement: MFAP5 is on the minus strand). VCF-style: chr12-8649583-G-A. GRCh37 (hg19) VCF-style: chr12-8802179-G-A.
Other names: p.?; c.270-9C>T (NM_001297710.2); c.261-9C>T (NM_001297711.2); c.218-1380C>T (NM_001297712.2); c.306-9C>T (NM_001297709.2).
Identifiers: ClinVar variation 507380 (VCV000507380.18), dbSNP rs117523212, ClinGen allele CA6434613.